The following is an entry in ClinVar:

NM_007294.4(BRCA1):c.3430C>T (p.Gln1144Ter)

Genes: BRCA1 (BRCA1 DNA repair associated; minus strand), LOC126862571 (BRD4-independent group 4 enhancer GRCh37_chr17:41243136-41244335; plus strand). Cytogenetic location: 17q21.31.
Variant type: single nucleotide variant.
Coding change: c.3430C>T on transcript NM_007294.4 (MANE Select); coding-DNA position 3430, C replaced by T.
Protein change: p.Gln1144Ter; replaces glutamine 1144 with a stop codon.
Molecular consequence: nonsense. On other transcripts: intron variant (135).
Genome position (GRCh38, 1-based): chr17:43,092,101, G>A on the plus strand (C>T on the coding strand, the complement: BRCA1 is on the minus strand). VCF-style: chr17-43092101-G-A. GRCh37 (hg19) VCF-style: chr17-41244118-G-A.
Other names: c.3217C>T, p.Gln1073Ter (NM_001407571.1, NM_001407853.1, NM_001407894.1 and 9 more transcripts); c.3430C>T, p.Gln1144Ter (NM_001407581.1, NM_001407582.1, NM_001407583.1 and 30 more transcripts); c.3427C>T, p.Gln1143Ter (NM_001407587.1, NM_001407590.1, NM_001407591.1 and 22 more transcripts); c.3421C>T, p.Gln1141Ter (NM_001407646.1, NM_001407647.1); c.3307C>T, p.Gln1103Ter (NM_001407648.1, NM_001407664.1, NM_001407665.1 and 19 more transcripts); c.3304C>T, p.Gln1102Ter (NM_001407649.1, NM_001407670.1, NM_001407671.1 and 11 more transcripts); c.3352C>T, p.Gln1118Ter (NM_001407653.1, NM_001407654.1, NM_001407655.1 and 4 more transcripts); c.3349C>T, p.Gln1117Ter (NM_001407659.1, NM_001407660.1, NM_001407661.1 and 1 more transcripts); and 41 more; short protein forms Q1144*, Q1097*, Q1077*, Q276*, Q976*, Q1032*, Q1073*, Q1074*.
Identifiers: ClinVar variation 54883 (VCV000054883.7), dbSNP rs80357369, ClinGen allele CA002219.
Genomic context (GRCh38, chr17:43,092,101, plus strand): 5'-TAGTATCTTCCTTTATTTCACCATCATCTAACAGGTCATCAGGTGTCTCAGAACAAACCT[G>A]AGATGCATGACTACTTCCCATAGGCTGTTCTAAGTTATCTGAAATCAGATATGGAGAGAA-3'

ClinVar aggregate classification (germline): Pathogenic. Review status: reviewed by expert panel (3 of 4 stars). 5 submissions from 5 submitters: Pathogenic (1). 4 of the submissions do not count toward it. Last evaluated 2016-09-08.

Conditions:
Hereditary cancer-predisposing syndrome. Also called: Tumor predisposition; Neoplastic Syndromes, Hereditary; Hereditary Cancer Syndrome; Hereditary neoplastic syndrome. Identifiers: Orphanet 140162, MedGen C0027672, MeSH D009386, MONDO:0015356.
Breast-ovarian cancer, familial, susceptibility to, 1 (BROVCA1). Also called: OVARIAN CANCER, SUSCEPTIBILITY TO; BRCA1 Hereditary Breast and Ovarian Cancer. Identifiers: Orphanet 145, MedGen C2676676, MONDO:0011450, OMIM 604370. Disease mechanism: loss of function.

Allele frequency attached by ClinVar (database versions not stated): gnomAD exomes below 0.00001.
gnomAD v4.1: 2 of 1,613,990 alleles (0.00012%); highest among the groups gnomAD compares: Non-Finnish European, 0.00017%; no homozygotes.

Submissions (5):

Evidence-based Network for the Interpretation of Germline Mutant Alleles (ENIGMA)
Classification: Pathogenic for Breast-ovarian cancer, familial, susceptibility to, 1. Last evaluated: 2016-09-08. Review status: reviewed by expert panel. Criteria: ENIGMA BRCA1/2 Classification Criteria (2015). Collection method: curation. Allele origin: germline.
Comment: Variant allele predicted to encode a truncated non-functional protein.

Ambry Genetics
Classification: Pathogenic for Hereditary cancer-predisposing syndrome. Last evaluated: 2025-07-11. Review status: criteria provided, single submitter. Criteria: Ambry Variant Classification Scheme 2023. Collection method: clinical testing. Allele origin: germline. Not counted in ClinVar's aggregate classification.
Comment: The p.Q1144* pathogenic mutation (also known as c.3430C>T), located in coding exon 9 of the BRCA1 gene, results from a C to T substitution at nucleotide position 3430. This changes the amino acid from a glutamine to a stop codon within coding exon 9.This variant was reported in individual(s) with features consistent with BRCA1-related cancer predisposition (Schorge JO et al. Gynecol Oncol, 2001 Nov;83:383-7; Li A et al. Gynecol Oncol, 2018 Oct;151:145-152; Paik ES et al. Cancer Sci, 2021 Dec;112:5055-5067). This variant is considered to be rare based on population cohorts in the Genome Aggregation Database (gnomAD). This alteration is expected to result in loss of function by premature protein truncation or nonsense-mediated mRNA decay. As such, this alteration is interpreted as a disease-causing mutation.

Baylor Genetics
Classification: Pathogenic for Breast-ovarian cancer, familial, susceptibility to, 1. Last evaluated: 2021-03-26. Review status: criteria provided, single submitter. Criteria: ACMG Guidelines, 2015. Collection method: clinical testing. Allele origin: unknown. Not counted in ClinVar's aggregate classification.

Consortium of Investigators of Modifiers of BRCA1/2 (CIMBA), c/o University of Cambridge
Classification: Pathogenic for Breast-ovarian cancer, familial, susceptibility to, 1. Last evaluated: 2015-10-02. Review status: criteria provided, single submitter. Criteria: CIMBA Mutation Classification guidelines May 2016. Collection method: clinical testing. Allele origin: germline. Not counted in ClinVar's aggregate classification.

Breast Cancer Information Core (BIC) (BRCA1)
Classification: Pathogenic for Breast-ovarian cancer, familial 1. Last evaluated: 1997-11-14. Review status: no assertion criteria provided. Collection method: clinical testing. Allele origin: germline. Affected: yes. Observed: 2 variant alleles. Not counted in ClinVar's aggregate classification.

Literature cited by the submitters: PubMed 11606101 (cited by Ambry Genetics); PubMed 30078507 (cited by Ambry Genetics); PubMed 34657357 (cited by Ambry Genetics).